The following is an entry in ClinVar:

ClinVar aggregate classification (germline): Pathogenic (1 of 4 stars; one submission).

Conditions:
Hereditary breast ovarian cancer syndrome. Also called: Breast and ovarian cancer; BRCA1- and BRCA2-Associated Hereditary Breast and Ovarian Cancer; Hereditary breast and ovarian cancer syndrome; Hereditary breast and/or ovarian cancer syndrome; Hereditary breast and ovarian cancer; Hereditary breast and ovarian cancer syndrome (HBOC). Identifiers: Orphanet 145, MedGen C0677776, MeSH D061325, MONDO:0003582. Disease mechanism: loss of function.

Submission:

Labcorp Genetics (formerly Invitae), Labcorp
Classification: Pathogenic for Hereditary breast ovarian cancer syndrome. Last evaluated: 2019-03-15. Review status: criteria provided, single submitter. Criteria: Invitae Variant Classification Sherloc (09022015). Collection method: clinical testing. Allele origin: germline.
Comment: This variant is a gross deletion of the genomic region encompassing exons 20-22 of the BRCA1 gene. The 5' boundary is likely confined to intron 19, while the 3' boundary is likely confined to intron 22. While this deletion is not anticipated to result in nonsense mediated decay, it is expected to create a truncated protein product or disrupt mRNA translation. Deletions of exons 20-22 have been observed in families with breast and/or ovarian cancer (PMID: 15863663). Deletion of exons 20-22 is also known as deletion of exons 21-23 by alternative exon numbering in the literature. Loss-of-function variants in BRCA1 are known to be pathogenic (PMID: 20104584). For these reasons, this variant has been classified as Pathogenic.

Literature cited by the submitters: PubMed 15863663; PubMed 20104584.

NC_000017.10:g.(?_41199640)_(41203154_?)del

Gene: BRCA1 (BRCA1 DNA repair associated; minus strand). Cytogenetic location: 17q21.31.
Variant type: Deletion.
Identifiers: ClinVar variation 1069351 (VCV001069351.1).